The following is an entry in ClinVar:

NM_001267550.2(TTN):c.89947G>A (p.Val29983Met)

Genes: TTN (titin; minus strand), TTN-AS1 (TTN antisense RNA 1; plus strand). Cytogenetic location: 2q31.2.
Variant type: single nucleotide variant.
Coding change: c.89947G>A on transcript NM_001267550.2 (MANE Select); coding-DNA position 89947, G replaced by A.
Protein change: p.Val29983Met; replaces valine 29983 with methionine.
Molecular consequence: missense variant.
Genome position (GRCh38, 1-based): chr2:178,552,953, C>T on the plus strand (G>A on the coding strand, the complement: TTN is on the minus strand). VCF-style: chr2-178552953-C-T. GRCh37 (hg19) VCF-style: chr2-179417680-C-T.
Other names: c.82243G>A, p.Val27415Met (NM_133378.4); c.85024G>A, p.Val28342Met (NM_001256850.1); c.62752G>A, p.Val20918Met (NM_003319.4); c.63127G>A, p.Val21043Met (NM_133432.3); c.63328G>A, p.Val21110Met (NM_133437.4); c.89947G>A (NM_001267550.1); short protein forms V29983M, V27415M, V21043M, V28342M, V20918M, V21110M.
Identifiers: ClinVar variation 47493 (VCV000047493.21), dbSNP rs397517746, ClinGen allele CA141176.

ClinVar aggregate classification (germline): Conflicting classifications of pathogenicity. Review status: criteria provided, conflicting classifications (1 of 4 stars). 10 submissions from 10 submitters: Uncertain significance (7); Likely benign (2). 1 of the submissions does not count toward it. Last evaluated 2025-10-21.

Conditions:
EBV-positive nodal T- and NK-cell lymphoma.
TTN-related disorder. Also called: TTN-related condition; TTN-related disease; TTN-related disorders.
Cardiovascular phenotype. Identifiers: MedGen CN230736.
Autosomal recessive limb-girdle muscular dystrophy type 2J (LGMDR10). Also called: Limb-girdle muscular dystrophy, type 2J; MUSCULAR DYSTROPHY, LIMB-GIRDLE, AUTOSOMAL RECESSIVE 10. Identifiers: Orphanet 140922, MedGen C1837342, MONDO:0012127, OMIM 608807.
Dilated cardiomyopathy 1G (CMD1G). Identifiers: Orphanet 154, MedGen C1858763, MONDO:0011400, OMIM 604145.
Early-onset myopathy with fatal cardiomyopathy (CMYO5). Also called: Salih Myopathy; CONGENITAL MYOPATHY 5 WITH CARDIOMYOPATHY. Identifiers: Orphanet 289377, MedGen C2673677, MONDO:0012714, OMIM 611705. Disease mechanism: loss of function.

Allele frequency attached by ClinVar (database versions not stated): gnomAD 0.00009; ExAC 0.00010; gnomAD exomes 0.00010; TOPMed 0.00012.
gnomAD v4.1: 143 of 1,613,256 alleles (0.0089%); highest among the groups gnomAD compares: Admixed American, 0.023%; 2 homozygotes.

Submissions (10):

Women's Health and Genetics/Laboratory Corporation of America, LabCorp
Classification: Uncertain significance. Last evaluated: 2025-10-21. Review status: criteria provided, single submitter. Criteria: LabCorp Variant Classification Summary - May 2015. Collection method: clinical testing. Allele origin: germline.
Comment: Variant summary: TTN c.82243G>A (p.Val27415Met) results in a conservative amino acid change in the encoded protein sequence. Algorithms developed to predict the effect of missense changes on protein structure and function are either unavailable or do not agree on the potential impact of this missense change. The variant allele was found at a frequency of 9.7e-05 in 248074 control chromosomes. This frequency is not significantly higher than estimated for disease-causing variants in TTN, allowing no conclusion about variant significance. c.82243G>A has been observed in individual(s) affected with Cardiomyopathy (Mazzarotto_2020, Mademont-Soler_2017, Pugh_2014). These report(s) do not provide unequivocal conclusions about association of the variant with Cardiomyopathy. To our knowledge, no experimental evidence demonstrating an impact on protein function has been reported. The following publications have been ascertained in the context of this evaluation (PMID: 28771489, 31983221, 24503780). ClinVar contains an entry for this variant (Variation ID: 47493). Based on the evidence outlined above, the variant was classified as uncertain significance.

PreventionGenetics, part of Exact Sciences
Classification: Likely benign for TTN-related condition. Last evaluated: 2025-05-23. Review status: criteria provided, single submitter. Criteria: ACMG Guidelines, 2015. Collection method: clinical testing. Allele origin: germline.
Comment: This variant is classified as likely benign based on ACMG/AMP sequence variant interpretation guidelines (Richards et al. 2015 PMID: 25741868, with internal and published modifications).

Baylor Genetics
Classification: Uncertain significance for Early-onset myopathy with fatal cardiomyopathy. Last evaluated: 2022-07-05. Review status: criteria provided, single submitter. Criteria: ACMG Guidelines, 2015. Collection method: clinical testing. Allele origin: unknown.

Athena Diagnostics
Classification: Uncertain significance. Last evaluated: 2021-07-16. Review status: criteria provided, single submitter. Criteria: Athena Diagnostics Criteria. Collection method: clinical testing. Allele origin: unknown.

Ambry Genetics
Classification: Likely benign for Cardiovascular phenotype. Last evaluated: 2020-07-14. Review status: criteria provided, single submitter. Criteria: Ambry Variant Classification Scheme 2023. Collection method: clinical testing. Allele origin: germline.

Revvity Omics, Revvity
Classification: Uncertain significance. Last evaluated: 2019-03-27. Review status: criteria provided, single submitter. Criteria: ACMG Guidelines, 2015. Collection method: clinical testing. Allele origin: germline.

Eurofins Ntd Llc (ga)
Classification: Uncertain significance. Last evaluated: 2018-05-30. Review status: criteria provided, single submitter. Criteria: EGL ClinVar v180209 classification definitions. Collection method: clinical testing. Allele origin: germline. Observed: 1 variant allele, 1 heterozygote.

Labcorp Genetics (formerly Invitae), Labcorp
Classification: Uncertain significance for Dilated cardiomyopathy 1G; Autosomal recessive limb-girdle muscular dystrophy type 2J. Last evaluated: 2017-11-21. Review status: criteria provided, single submitter. Criteria: Invitae Variant Classification Sherloc (09022015). Collection method: clinical testing. Allele origin: germline.

Laboratory for Molecular Medicine, Mass General Brigham Personalized Medicine
Classification: Uncertain significance. Last evaluated: 2012-01-03. Review status: criteria provided, single submitter. Criteria: LMM Criteria. Collection method: clinical testing. Allele origin: germline. Observed: 1 variant allele.
Comment: The Val27415Met variant (TTN) has not been previously reported nor previously id entified by our laboratory. Valine (Val) at position 27415 is highly conserved i n mammals and across evolutionarily distant species, increasing the likelihood t hat a change would not be tolerated. Computational predictions on the impact to the protein are mixed (AlignGVGD = benign, SIFT = pathogenic), though the accura cy of these tools is unknown. Additional information is needed to fully assess t he clinical significance of the Val27415Met variant.

Department of Clinical Pathology, School of Medicine, Fujita Health University
Classification: Likely benign for EBV-positive nodal T- and NK-cell lymphoma. Review status: no assertion criteria provided. Collection method: research. Allele origin: unknown. Affected: yes. Not counted in ClinVar's aggregate classification.

Literature cited by the submitters: PubMed 24503780 (cited by Women's Health and Genetics/Laboratory Corporation of America, LabCorp and Ambry Genetics); PubMed 28771489 (cited by Women's Health and Genetics/Laboratory Corporation of America, LabCorp); PubMed 31983221 (cited by Women's Health and Genetics/Laboratory Corporation of America, LabCorp).